The following is an entry in ClinVar:

ClinVar aggregate classification (germline): Uncertain significance (1 of 4 stars; one submission).

Submission:

Women's Health and Genetics/Laboratory Corporation of America, LabCorp
Classification: Uncertain significance. Last evaluated: 2026-04-29. Review status: criteria provided, single submitter. Criteria: LabCorp Variant Classification Summary - May 2015. Collection method: clinical testing. Allele origin: germline.
Comment: Variant summary: The variant involves the duplication of exons 3-9 in the IKZF2 gene. A presumed nomenclature of c.(-16+1_-15-1)_(*7663_?)dup has been designated for the purposes of this classification. This duplication includes the entire coding sequence of the gene. As exact breakpoints are unknown, it may extend beyond the annotated region of the gene, to include other flanking genes. The variant was absent in 21694 control chromosomes. The available data on variant occurrences in the general population are insufficient to allow any conclusion about variant significance. To our knowledge, no occurrence of c.(-16+1_-15-1)_(*7663_?)dup in individuals affected with IKZF2-related conditions and no experimental evidence demonstrating its impact on protein function have been reported. No submitters have cited clinical-significance assessments for this variant to ClinVar. Based on the evidence outlined above, the variant was classified as uncertain significance.

NC_000002.11:g.(?_213864421)_(214013369_214014867)dup

Gene: IKZF2 (IKAROS family zinc finger 2; minus strand). Cytogenetic location: 2q34.
Variant type: Duplication.
Identifiers: ClinVar variation 4848391 (VCV004848391.1).